The following is an entry in ClinVar:

ClinVar aggregate classification (germline): Likely pathogenic (1 of 4 stars; one submission).

Conditions:
Periodontitis, aggressive. Identifiers: MedGen C0031106, MONDO:0980757.
Haim-Munk syndrome (HMS). Also called: COCHIN JEWISH DISORDER; KERATOSIS PALMOPLANTARIS WITH PERIODONTOPATHIA AND ONYCHOGRYPOSIS. Identifiers: Orphanet 2342, MedGen C1855627, MONDO:0009491, OMIM 245010.
Papillon-Lefèvre syndrome (PALS). Also called: Papillon-Lefevre Disease; KERATOSIS PALMOPLANTARIS WITH PERIODONTOPATHIA. Identifiers: Orphanet 678, MedGen C0030360, MONDO:0009490, OMIM 245000.

Submission:

Labcorp Genetics (formerly Invitae), Labcorp
Classification: Likely pathogenic for Haim-Munk syndrome; Periodontitis, aggressive; Papillon-Lefèvre syndrome. Last evaluated: 2025-08-21. Review status: criteria provided, single submitter. Criteria: Invitae Variant Classification Sherloc (09022015). Collection method: clinical testing. Allele origin: germline.
Comment: This sequence change replaces tyrosine, which is neutral and polar, with asparagine, which is neutral and polar, at codon 304 of the CTSC protein (p.Tyr304Asn). This variant is not present in population databases (gnomAD no frequency). This missense change has been observed in individuals with clinical features of Papillon-Lefèvre syndrome (PMID: 11106356; internal data). ClinVar contains an entry for this variant (Variation ID: 651983). Invitae Evidence Modeling of protein sequence and biophysical properties (such as structural, functional, and spatial information, amino acid conservation, physicochemical variation, residue mobility, and thermodynamic stability) indicates that this missense variant is expected to disrupt CTSC protein function with a positive predictive value of 80%. In summary, the currently available evidence indicates that the variant is pathogenic, but additional data are needed to prove that conclusively. Therefore, this variant has been classified as Likely Pathogenic.

Literature cited by the submitters: PubMed 11106356.

NM_001814.6(CTSC):c.910T>A (p.Tyr304Asn)

Gene: CTSC (cathepsin C; minus strand). Cytogenetic location: 11q14.2.
Variant type: single nucleotide variant.
Coding change: c.910T>A on transcript NM_001814.6 (MANE Select); coding-DNA position 910, T replaced by A.
Protein change: p.Tyr304Asn; replaces tyrosine 304 with asparagine.
Molecular consequence: missense variant.
Genome position (GRCh38, 1-based): chr11:88,294,488, A>T on the plus strand (T>A on the coding strand, the complement: CTSC is on the minus strand). VCF-style: chr11-88294488-A-T. GRCh37 (hg19) VCF-style: chr11-88027656-A-T.
Other names: short protein forms Y304N.
Identifiers: ClinVar variation 651983 (VCV000651983.8), dbSNP rs201990020, ClinGen allele CA382022300.